The following is an entry in ClinVar:

NM_000186.4(CFH):c.2236G>A (p.Ala746Thr)

Gene: CFH (complement factor H; plus strand). Cytogenetic location: 1q31.3.
Variant type: single nucleotide variant.
Coding change: c.2236G>A on transcript NM_000186.4 (MANE Select); coding-DNA position 2236, G replaced by A.
Protein change: p.Ala746Thr; replaces alanine 746 with threonine.
Molecular consequence: missense variant.
Genome position (GRCh38, 1-based): chr1:196,726,940, G>A. VCF-style: chr1-196726940-G-A. GRCh37 (hg19) VCF-style: chr1-196696070-G-A.
Other names: p.Ala746Thr; short protein forms A746T.
Identifiers: ClinVar variation 2682685 (VCV002682685.1), dbSNP rs2149108691, ClinGen allele CA343990054.

ClinVar aggregate classification (germline): Uncertain significance (1 of 4 stars; one submission).

Submission:

Mayo Clinic Laboratories, Mayo Clinic
Classification: Uncertain significance. Last evaluated: 2023-04-07. Review status: criteria provided, single submitter. Criteria: ACMG Guidelines, 2015. Collection method: clinical testing. Allele origin: germline. Observed: 1 variant allele.
Comment: PP3, PM2_supporting